The following is an entry in ClinVar:

NM_000186.4(CFH):c.2957-89T>C

Gene: CFH (complement factor H; plus strand). Cytogenetic location: 1q31.3.
Variant type: single nucleotide variant.
Coding change: c.2957-89T>C on transcript NM_000186.4 (MANE Select); 89 bases into the intron before coding-DNA position 2957, T replaced by C.
Molecular consequence: intron variant.
Genome position (GRCh38, 1-based): chr1:196,741,786, T>C. VCF-style: chr1-196741786-T-C. GRCh37 (hg19) VCF-style: chr1-196710916-T-C.
Identifiers: ClinVar variation 1228859 (VCV001228859.5), dbSNP rs16840522, ClinGen allele CA10991484.

ClinVar aggregate classification (germline): Benign. Review status: criteria provided, multiple submitters, no conflicts (2 of 4 stars). 3 submissions from 3 submitters: Benign (3). Last evaluated 2025-10-02.

Conditions:
Age related macular degeneration 4. Identifiers: MedGen C1853147, MONDO:0012540, OMIM 610698.
Atypical hemolytic-uremic syndrome. Identifiers: Orphanet 2134, MedGen C2931788, MONDO:0016244.
Factor H deficiency (CFHD). Also called: CFH DEFICIENCY; COMPLEMENT FACTOR H DEFICIENCY. Identifiers: Orphanet 200421, MedGen C0398777, MONDO:0012350, OMIM 609814.
Basal laminar drusen. Also called: DRUSEN OF BRUCH MEMBRANE; DRUSEN, CUTICULAR; DRUSEN, EARLY ADULT-ONSET, GROUPED. Identifiers: Orphanet 75376, MedGen C0730295, MONDO:0007472, OMIM 126700.

Allele frequency attached by ClinVar (database versions not stated): gnomAD exomes 0.20146; gnomAD 0.22570 and 0.22650; TOPMed 0.22856; 1000 Genomes Project 0.23722; 1000 Genomes Project 30x 0.24719.
gnomAD v4.1: 244,851 of 1,194,894 alleles (20%); highest among the groups gnomAD compares: African/African-American, 34%; 27,631 homozygotes.

Submissions (3):

Genomenon, Inc
Classification: Benign for Basal laminar drusen; Age related macular degeneration 4; Atypical hemolytic-uremic syndrome; Factor H deficiency. Last evaluated: 2025-10-02. Review status: criteria provided, single submitter. Criteria: Genomenon Sequence Variant Interpretation Standards - Updated. Collection method: curation. Allele origin: germline. Affected: no.
Comment: CFH c.2957-89T>C is an intronic variant located in intron 18. This variant is present at high allele frequency in population databases. In conclusion, we classify CFH c.2957-89T>C as a benign variant.

GeneDx
Classification: Benign. Last evaluated: 2021-05-10. Review status: criteria provided, single submitter. Criteria: GeneDx Variant Classification Process June 2021. Collection method: clinical testing. Allele origin: germline. Affected: yes.

Breakthrough Genomics
Classification: Benign. Review status: criteria provided, single submitter. Criteria: ACMG Guidelines, 2015. Collection method: not provided. Allele origin: germline. Inheritance: Autosomal recessive inheritance. Affected: yes.